The following is an entry in ClinVar:

ClinVar aggregate classification (germline): Benign/Likely benign. Review status: criteria provided, multiple submitters, no conflicts (2 of 4 stars). 2 submissions from 2 submitters: Benign (1); Likely benign (1). Last evaluated 2026-05-22.

Conditions:
Hereditary cancer-predisposing syndrome. Also called: Neoplastic Syndromes, Hereditary; Tumor predisposition; Hereditary neoplastic syndrome; Hereditary Cancer Syndrome. Identifiers: Orphanet 140162, MedGen C0027672, MeSH D009386, MONDO:0015356.
Cardiovascular phenotype. Identifiers: MedGen CN230736.
Neurofibromatosis, type 1 (NF1). Also called: Neurofibromatosis, type I; NEUROFIBROMATOSIS, TYPE I, SOMATIC; Peripheral type neurofibromatosis; VON RECKLINGHAUSEN DISEASE. Identifiers: Orphanet 636, MedGen C0027831, MONDO:0018975, OMIM 162200. Disease mechanism: loss of function.

Submissions (2):

Myriad Genetics, Inc.
Classification: Benign for Neurofibromatosis, type 1. Last evaluated: 2026-05-22. Review status: criteria provided, single submitter. Criteria: Myriad Autosomal Dominant, Autosomal Recessive and X-Linked Classification Criteria (2023). Collection method: clinical testing. Allele origin: unknown.
Comment: This variant is considered benign. This variant is a silent/synonymous amino acid change and it is not expected to impact splicing.

Ambry Genetics
Classification: Likely benign for Cardiovascular phenotype; Hereditary cancer-predisposing syndrome. Last evaluated: 2022-05-03. Review status: criteria provided, single submitter. Criteria: Ambry Variant Classification Scheme 2023. Collection method: clinical testing. Allele origin: germline.

NM_001042492.3(NF1):c.7876C>T (p.Leu2626=)

Gene: NF1 (neurofibromin 1; plus strand). Cytogenetic location: 17q11.2.
Variant type: single nucleotide variant.
Coding change: c.7876C>T on transcript NM_001042492.3 (MANE Select); coding-DNA position 7876, C replaced by T.
Protein change: p.Leu2626=; no amino-acid change (leucine 2626 retained).
Molecular consequence: synonymous variant.
Genome position (GRCh38, 1-based): chr17:31,357,275, C>T. VCF-style: chr17-31357275-C-T. GRCh37 (hg19) VCF-style: chr17-29684293-C-T.
Other names: c.7813C>T, p.Leu2605= (NM_000267.4).
Identifiers: ClinVar variation 1760749 (VCV001760749.3), dbSNP rs1555536748, ClinGen allele CA499239499.